The following is an entry in ClinVar:

NM_002386.4(MC1R):c.424C>A (p.Arg142Ser)

Gene: MC1R (melanocortin 1 receptor; plus strand). Cytogenetic location: 16q24.3.
Variant type: single nucleotide variant.
Coding change: c.424C>A on transcript NM_002386.4 (MANE Select); coding-DNA position 424, C replaced by A.
Protein change: p.Arg142Ser; replaces arginine 142 with serine.
Molecular consequence: missense variant.
Genome position (GRCh38, 1-based): chr16:89,919,682, C>A. VCF-style: chr16-89919682-C-A. GRCh37 (hg19) VCF-style: chr16-89986090-C-A.
Other names: short protein forms R142S.
Identifiers: ClinVar variation 1017852 (VCV001017852.8), dbSNP rs752927306, ClinGen allele CA397460713.

ClinVar aggregate classification (germline): Uncertain significance (1 of 4 stars; one submission).

Conditions:
Melanoma, cutaneous malignant, susceptibility to, 5. Also called: Cutaneous malignant melanoma 5. Identifiers: Orphanet 618, MedGen C2751295, MONDO:0013133, OMIM 613099.

Allele frequency attached by ClinVar (database versions not stated): TOPMed 0.00001.
gnomAD v4.1: 11 of 1,606,044 alleles (0.00068%); highest among the groups gnomAD compares: Non-Finnish European, 0.00076%; no homozygotes.

Submission:

Labcorp Genetics (formerly Invitae), Labcorp
Classification: Uncertain significance for Melanoma, cutaneous malignant, susceptibility to, 5. Last evaluated: 2020-08-06. Review status: criteria provided, single submitter. Criteria: Invitae Variant Classification Sherloc (09022015). Collection method: clinical testing. Allele origin: germline.
Comment: This sequence change replaces arginine with serine at codon 142 of the MC1R protein (p.Arg142Ser). The arginine residue is highly conserved and there is a moderate physicochemical difference between arginine and serine. This variant is not present in population databases (ExAC no frequency). This variant has been observed in individual(s) affected with cutaneous melanoma (PMID: 23384855, 23647022). Algorithms developed to predict the effect of missense changes on protein structure and function (SIFT, PolyPhen-2, Align-GVGD) all suggest that this variant is likely to be disruptive, but these predictions have not been confirmed by published functional studies and their clinical significance is uncertain. In summary, the available evidence is currently insufficient to determine the role of this variant in disease. Therefore, it has been classified as a Variant of Uncertain Significance.

Literature cited by the submitters: PubMed 23384855; PubMed 23647022.